The following is an entry in ClinVar:

NM_024496.4(IRF2BPL):c.2052delinsAA (p.Pro685fs)

Gene: IRF2BPL (interferon regulatory factor 2 binding protein like; minus strand). Cytogenetic location: 14q24.3.
Variant type: Indel.
Coding change: c.2052delinsAA on transcript NM_024496.4 (MANE Select); coding-DNA position 2052, G replaced by AA.
Protein change: p.Pro685fs; shifts the reading frame from proline 685.
Molecular consequence: frameshift variant.
Genome position (GRCh38, 1-based): chr14:77,025,741, C replaced by TT on the plus strand (G replaced by AA on the coding strand, the reverse complement: IRF2BPL is on the minus strand). VCF-style: chr14-77025741-C-TT. GRCh37 (hg19) VCF-style: chr14-77492084-C-TT.
Other names: short protein forms P685fs.
Identifiers: ClinVar variation 3530017 (VCV003530017.1).

ClinVar aggregate classification (germline): Pathogenic (1 of 4 stars; one submission).

Conditions:
Inborn genetic diseases. Identifiers: MedGen C0950123, MeSH D030342.

Submission:

Ambry Genetics
Classification: Pathogenic for Inborn genetic diseases. Last evaluated: 2024-11-12. Review status: criteria provided, single submitter. Criteria: Ambry Variant Classification Scheme 2023. Collection method: clinical testing. Allele origin: germline.
Comment: The c.2052delGinsAA (p.P685Tfs*5) alteration, located in exon 1 (coding exon 1) of the IRF2BPL gene, consists of an deletion of 1 and insertion of 2 nucleotides causing a translational frameshift at position 2052 with a predicted alternate stop codon after 5 amino acids. Because IRF2BPL is a single-exon gene, this alteration is not expected to trigger nonsense-mediated mRNA decay and an altered protein could still be expressed (Maquat, 2004). However, frameshifts are typically deleterious in nature, the impacted region is critical for protein function, and a significant portion of the protein (14.1%) is affected (Ambry internal data). This variant was not reported in population-based cohorts in the Genome Aggregation Database (gnomAD). Based on the available evidence, this alteration is classified as pathogenic.